The following is an entry in ClinVar:

ClinVar aggregate classification (germline): Uncertain significance (1 of 4 stars; one submission).

Conditions:
Idiopathic generalized epilepsy. Also called: Generalised epilepsy; EIG. Identifiers: MedGen C0270850, MONDO:0005579, OMIM 600669.
Hyperaldosteronism, familial, type IV (HALD4). Also called: FH IV; ALDOSTERONISM, PRIMARY, AND HYPERTENSION. Identifiers: Orphanet 642671, MedGen C4310756, MONDO:0014875, OMIM 617027.

Submission:

Labcorp Genetics (formerly Invitae), Labcorp
Classification: Uncertain significance for Idiopathic generalized epilepsy; Hyperaldosteronism, familial, type IV. Last evaluated: 2023-08-17. Review status: criteria provided, single submitter. Criteria: Invitae Variant Classification Sherloc (09022015). Collection method: clinical testing. Allele origin: germline.
Comment: This variant, c.6717_6893del, results in the deletion of 59 amino acid(s) of the CACNA1H protein (p.Gly2241_Ala2299del), but otherwise preserves the integrity of the reading frame. This variant is not present in population databases (gnomAD no frequency). This variant has not been reported in the literature in individuals affected with CACNA1H-related conditions. ClinVar contains an entry for this variant (Variation ID: 2031543). Experimental studies and prediction algorithms are not available or were not evaluated, and the functional significance of this variant is currently unknown. In summary, the available evidence is currently insufficient to determine the role of this variant in disease. Therefore, it has been classified as a Variant of Uncertain Significance.

NM_021098.3(CACNA1H):c.6717_6893del (p.Gly2241_Ala2299del)

Gene: CACNA1H (calcium voltage-gated channel subunit alpha1 H; plus strand). Cytogenetic location: 16p13.3.
Variant type: Deletion.
Coding change: c.6717_6893del on transcript NM_021098.3 (MANE Select); coding-DNA positions 6717 to 6893, 177 bases deleted.
Protein change: p.Gly2241_Ala2299del.
Molecular consequence: inframe deletion.
Genome position (GRCh38, 1-based): chr16:1,220,649-1,220,825, 177 bases deleted. GRCh37 (hg19): chr16:1,270,649-1,270,825.
Other names: c.6699_6875del, p.Gly2235_Ala2293del (NM_001005407.2).
Identifiers: ClinVar variation 2031543 (VCV002031543.4), dbSNP rs2548739258, ClinGen allele CA2580090446.